The following is an entry in ClinVar:

NM_000363.5(TNNI3):c.88G>A (p.Ala30Thr)

Gene: TNNI3 (troponin I3, cardiac type; minus strand). Cytogenetic location: 19q13.42.
Variant type: single nucleotide variant.
Coding change: c.88G>A on transcript NM_000363.5 (MANE Select); coding-DNA position 88, G replaced by A.
Protein change: p.Ala30Thr; replaces alanine 30 with threonine.
Molecular consequence: missense variant.
Genome position (GRCh38, 1-based): chr19:55,157,070, C>T on the plus strand (G>A on the coding strand, the complement: TNNI3 is on the minus strand). VCF-style: chr19-55157070-C-T. GRCh37 (hg19) VCF-style: chr19-55668438-C-T.
Other names: p.Ala30Thr; c.88G>A (LRG_432t1); short protein forms A30T.
Identifiers: ClinVar variation 264087 (VCV000264087.24), dbSNP rs796104366, ClinGen allele CA10587918.

ClinVar aggregate classification (germline): Uncertain significance. Review status: criteria provided, multiple submitters, no conflicts (2 of 4 stars). 8 submissions from 8 submitters: Uncertain significance (8). Last evaluated 2026-03-27.

Conditions:
Cardiovascular phenotype. Identifiers: MedGen CN230736.
Cardiomyopathy (CMYO). Also called: Cardiomyopathies. Identifiers: Orphanet 167848, MedGen C0878544, MONDO:0004994, HP:0001638. Inheritance: Various modes of inheritance.
Hypertrophic cardiomyopathy. Also called: HYPERTROPHIC MYOCARDIOPATHY. Identifiers: Orphanet 217569, MedGen C0007194, MeSH D002312, MONDO:0005045, HP:0001639.

Allele frequency attached by ClinVar (database versions not stated): gnomAD exomes below 0.00001.
gnomAD v4.1: 2 of 1,599,008 alleles (0.00013%); highest among the groups gnomAD compares: Non-Finnish European, 0.00017%; no homozygotes.

Submissions (8):

Molecular Diagnostic Laboratory for Inherited Cardiovascular Disease, Montreal Heart Institute
Classification: Uncertain significance for Cardiovascular phenotype. Last evaluated: 2026-03-27. Review status: criteria provided, single submitter. Criteria: ACMG Guidelines, 2015. Collection method: clinical testing. Allele origin: germline. Affected: yes.
Comment: PM2, PP2

Labcorp Genetics (formerly Invitae), Labcorp
Classification: Uncertain significance for Hypertrophic cardiomyopathy. Last evaluated: 2025-12-08. Review status: criteria provided, single submitter. Criteria: Invitae Variant Classification Sherloc (09022015). Collection method: clinical testing. Allele origin: germline.
Comment: This sequence change replaces alanine, which is neutral and non-polar, with threonine, which is neutral and polar, at codon 30 of the TNNI3 protein (p.Ala30Thr). This variant is not present in population databases (gnomAD no frequency). This missense change has been observed in individual(s) with autosomal recessive dilated cardiomypathy (internal data). ClinVar contains an entry for this variant (Variation ID: 264087). An algorithm developed to predict the effect of missense changes on protein structure and function (PolyPhen-2) suggests that this variant is likely to be tolerated. In summary, the available evidence is currently insufficient to determine the role of this variant in disease. Therefore, it has been classified as a Variant of Uncertain Significance.

Mayo Clinic Laboratories, Mayo Clinic
Classification: Uncertain significance. Last evaluated: 2025-01-15. Review status: criteria provided, single submitter. Criteria: ACMG Guidelines, 2015. Collection method: clinical testing. Allele origin: germline. Observed: 1 variant allele.
Comment: PM2_supporting

Ambry Genetics
Classification: Uncertain significance for Cardiovascular phenotype. Last evaluated: 2024-12-18. Review status: criteria provided, single submitter. Criteria: Ambry Variant Classification Scheme 2023. Collection method: clinical testing. Allele origin: germline.
Comment: The p.A30T variant (also known as c.88G>A), located in coding exon 3 of the TNNI3 gene, results from a G to A substitution at nucleotide position 88. The alanine at codon 30 is replaced by threonine, an amino acid with similar properties. This amino acid position is highly conserved in available vertebrate species. In addition, the in silico prediction for this alteration is inconclusive. Since supporting evidence is limited at this time, the clinical significance of this alteration remains unclear.

GeneDx
Classification: Uncertain significance. Last evaluated: 2024-10-27. Review status: criteria provided, single submitter. Criteria: GeneDx Variant Classification Process June 2021. Collection method: clinical testing. Allele origin: germline. Affected: yes.
Comment: In silico analysis indicates that this missense variant does not alter protein structure/function; Not observed at significant frequency in large population cohorts (gnomAD); Has not been previously published as pathogenic or benign to our knowledge

Color Diagnostics, LLC DBA Color Health
Classification: Uncertain significance for Cardiomyopathy. Last evaluated: 2024-03-06. Review status: criteria provided, single submitter. Criteria: ACMG Guidelines, 2015. Collection method: clinical testing. Allele origin: germline.
Comment: This missense variant replaces alanine with threonine at codon 30 of the TNNI3 protein. Computational prediction suggests that this variant may not impact protein structure and function (internally defined REVEL score threshold <= 0.5, PMID: 27666373). To our knowledge, functional studies have not been reported for this variant. This variant has not been reported in individuals affected with TNNI3-related disorders in the literature. This variant has not been identified in the general population by the Genome Aggregation Database (gnomAD). The available evidence is insufficient to determine the role of this variant in disease conclusively. Therefore, this variant is classified as a Variant of Uncertain Significance.

All of Us Research Program, National Institutes of Health
Classification: Uncertain significance for Hypertrophic cardiomyopathy. Last evaluated: 2023-10-23. Review status: criteria provided, single submitter. Criteria: ACMG Guidelines, 2015. Collection method: clinical testing. Allele origin: germline. Inheritance: Autosomal dominant inheritance. Observed: 3 variant alleles, 3 heterozygotes.
Comment: This missense variant replaces alanine with threonine at codon 30 of the TNNI3 protein. Computational prediction tool suggests that this variant may not impact protein structure and function (internally defined REVEL score threshold <=0.5, PMID: 27666373). Splice site prediction tools suggest that this variant may not impact RNA splicing. To our knowledge, functional studies have not been performed for this variant. This variant has not been reported in individuals affected with cardiovascular disorders in the literature. This variant has not been identified in the general population by the Genome Aggregation Database (gnomAD). The available evidence is insufficient to determine the role of this variant in disease conclusively. Therefore, this variant is classified as a Variant of Uncertain Significance.

This study involves interpretation of variants in research participants for the purpose of population health screening. Participant phenotype was not available at the time of variant classification. Additional details can be found in publication PMID: 35346344, PMCID: PMC8962531

Women's Health and Genetics/Laboratory Corporation of America, LabCorp
Classification: Uncertain significance. Last evaluated: 2023-03-27. Review status: criteria provided, single submitter. Criteria: LabCorp Variant Classification Summary - May 2015. Collection method: clinical testing. Allele origin: germline.
Comment: Variant summary: TNNI3 c.88G>A (p.Ala30Thr) results in a non-conservative amino acid change in the encoded protein sequence. Three of five in-silico tools predict a damaging effect of the variant on protein function. The variant was absent in 223536 control chromosomes. The available data on variant occurrences in the general population are insufficient to allow any conclusion about variant significance. To our knowledge, no occurrence of c.88G>A in individuals affected with Hypertrophic Cardiomyopathy and no experimental evidence demonstrating its impact on protein function have been reported. Four clinical diagnostic laboratories have submitted clinical-significance assessments for this variant to ClinVar after 2014 without evidence for independent evaluation. All laboratories classified the variant as uncertain significance. Based on the evidence outlined above, the variant was classified as uncertain significance.